The following is an entry in ClinVar:

NM_001201543.2(FAM161A):c.1893C>T (p.Thr631=)

Gene: FAM161A (FAM161 centrosomal protein A; minus strand). Cytogenetic location: 2p15.
Variant type: single nucleotide variant.
Coding change: c.1893C>T on transcript NM_001201543.2 (MANE Select); coding-DNA position 1893, C replaced by T.
Protein change: p.Thr631=; no amino-acid change (threonine 631 retained).
Molecular consequence: synonymous variant. On other transcripts: non-coding transcript variant (1).
Genome position (GRCh38, 1-based): chr2:61,827,217, G>A on the plus strand (C>T on the coding strand, the complement: FAM161A is on the minus strand). VCF-style: chr2-61827217-G-A. GRCh37 (hg19) VCF-style: chr2-62054352-G-A.
Other names: c.1893C>T (NM_001201543.1); c.1725C>T, p.Thr575= (NM_032180.3).
Identifiers: ClinVar variation 1144382 (VCV001144382.9), dbSNP rs758821386, ClinGen allele CA1678997.

ClinVar aggregate classification (germline): Likely benign. Review status: criteria provided, multiple submitters, no conflicts (2 of 4 stars). 3 submissions from 3 submitters: Likely benign (3). Last evaluated 2026-07-23.

Conditions:
FAM161A-related disorder. Also called: FAM161A-related condition.

Allele frequency attached by ClinVar (database versions not stated): ExAC 0.00001; gnomAD exomes 0.00003 and 0.00006; TOPMed 0.00003; gnomAD 0.00004 and 0.00005.
gnomAD v4.1: 98 of 1,613,488 alleles (0.0061%); highest among the groups gnomAD compares: Middle Eastern, 0.033%; no homozygotes.

Submissions (3):

PreventionGenetics, part of Exact Sciences
Classification: Likely benign for FAM161A-related condition. Last evaluated: 2026-07-23. Review status: criteria provided, single submitter. Criteria: ACMG Guidelines, 2015. Collection method: clinical testing. Allele origin: germline.
Comment: This variant is classified as likely benign based on ACMG/AMP sequence variant interpretation guidelines (Richards et al. 2015 PMID: 25741868, with internal and published modifications).

Labcorp Genetics (formerly Invitae), Labcorp
Classification: Likely benign. Last evaluated: 2025-03-31. Review status: criteria provided, single submitter. Criteria: Invitae Variant Classification Sherloc (09022015). Collection method: clinical testing. Allele origin: germline.

Blueprint Genetics
Classification: Likely benign. Last evaluated: 2023-01-02. Review status: criteria provided, single submitter. Criteria: ACMG Guidelines, 2015. Collection method: clinical testing. Allele origin: germline.